The following is an entry in ClinVar:

ClinVar aggregate classification (germline): Conflicting classifications of pathogenicity. Review status: criteria provided, conflicting classifications (1 of 4 stars). 4 submissions from 4 submitters: Uncertain significance (1); Benign (1); Likely benign (1). 1 of the submissions does not count toward it. Last evaluated 2025-11-27.

Conditions:
SEC23B-related disorder. Also called: SEC23B-related condition; SEC23B-related disorders.
Congenital dyserythropoietic anemia, type II (CDAN2). Also called: DYSERYTHROPOIETIC ANEMIA, HEMPAS TYPE. Identifiers: Orphanet 98873, MedGen C1306589, MONDO:0009134, OMIM 224100.
Cowden syndrome 7 (CWS7). Identifiers: Orphanet 201, MedGen C4225179, MONDO:0014802, OMIM 616858.

Allele frequency attached by ClinVar (database versions not stated): gnomAD 0.00001 and 0.00015; TOPMed 0.00003; ExAC 0.00047; gnomAD exomes 0.00047; 1000 Genomes Project 30x 0.00141; 1000 Genomes Project 0.00160.
gnomAD v4.1: 385 of 1,613,640 alleles (0.024%); highest among the groups gnomAD compares: South Asian, 0.41%; 1 homozygote.

Submissions (4):

Labcorp Genetics (formerly Invitae), Labcorp
Classification: Benign for Congenital dyserythropoietic anemia, type II; Cowden syndrome 7. Last evaluated: 2025-11-27. Review status: criteria provided, single submitter. Criteria: Invitae Variant Classification Sherloc (09022015). Collection method: clinical testing. Allele origin: germline.

Illumina Laboratory Services, Illumina
Classification: Likely benign for Congenital dyserythropoietic anemia, type II. Last evaluated: 2018-01-13. Review status: criteria provided, single submitter. Criteria: ICSL Variant Classification Criteria 13 December 2019. Collection method: clinical testing. Allele origin: germline.
Comment: This variant was observed in the ICSL laboratory as part of a predisposition screen in an ostensibly healthy population. It had not been previously curated by ICSL or reported in the Human Gene Mutation Database (HGMD: prior to June 1st, 2018), and was therefore a candidate for classification through an automated scoring system. Utilizing variant allele frequency, disease prevalence and penetrance estimates, and inheritance mode, an automated score was calculated to assess if this variant is too frequent to cause the disease. Based on the score and internal cut-off values, a variant classified as likely benign is not then subjected to further curation. The score for this variant resulted in a classification of likely benign for this disease.

Eurofins Ntd Llc (ga)
Classification: Uncertain significance. Last evaluated: 2014-07-17. Review status: criteria provided, single submitter. Criteria: EGL Classification Definitions 2015. Collection method: clinical testing. Allele origin: germline. Observed: 1 variant allele, 1 heterozygote.

PreventionGenetics, part of Exact Sciences
Classification: Likely benign for SEC23B-related condition. Last evaluated: 2023-04-17. Review status: no assertion criteria provided. Collection method: clinical testing. Allele origin: germline. Not counted in ClinVar's aggregate classification.
Comment: This variant is classified as likely benign based on ACMG/AMP sequence variant interpretation guidelines (Richards et al. 2015 PMID: 25741868, with internal and published modifications).

NM_006363.6(SEC23B):c.773A>G (p.Gln258Arg)

Gene: SEC23B (SEC23 homolog B, COPII component; plus strand). Cytogenetic location: 20p11.23.
Variant type: single nucleotide variant.
Coding change: c.773A>G on transcript NM_006363.6 (MANE Select); coding-DNA position 773, A replaced by G.
Protein change: p.Gln258Arg; replaces glutamine 258 with arginine.
Molecular consequence: missense variant.
Genome position (GRCh38, 1-based): chr20:18,525,871, A>G. VCF-style: chr20-18525871-A-G. GRCh37 (hg19) VCF-style: chr20-18506515-A-G.
Other names: c.773A>G, p.Gln258Arg (NM_001172745.3, NM_032985.6, NM_032986.5); c.719A>G, p.Gln240Arg (NM_001172746.3); short protein forms Q258R, Q240R.
Identifiers: ClinVar variation 198541 (VCV000198541.20), dbSNP rs534770840, ClinGen allele CA247249.